The following is an entry in ClinVar:

ClinVar aggregate classification (germline): Uncertain significance (1 of 4 stars; one submission).

Conditions:
Singleton-Merten syndrome 1 (SGMRT1). Also called: Widened medullary cavities of bone, aortic calcification, abnormal dentition, and muscular weakness; Syndrome of widened medullary cavities of the metacarpals and phalanges, aortic calcification and abnormal dentition. Identifiers: Orphanet 85191, MedGen C4225427, MONDO:0024535, OMIM 182250.
Aicardi-Goutieres syndrome 7 (AGS7). Identifiers: Orphanet 51, MedGen C3888244, MONDO:0014367, OMIM 615846.

Submission:

Labcorp Genetics (formerly Invitae), Labcorp
Classification: Uncertain significance for Aicardi-Goutieres syndrome 7; Singleton-Merten syndrome 1. Last evaluated: 2025-11-05. Review status: criteria provided, single submitter. Criteria: Invitae Variant Classification Sherloc (09022015). Collection method: clinical testing. Allele origin: germline.
Comment: This sequence change replaces aspartic acid, which is acidic and polar, with valine, which is neutral and non-polar, at codon 655 of the IFIH1 protein (p.Asp655Val). This variant is not present in population databases (gnomAD no frequency). This variant has not been reported in the literature in individuals affected with IFIH1-related conditions. Invitae Evidence Modeling of protein sequence and biophysical properties (such as structural, functional, and spatial information, amino acid conservation, physicochemical variation, residue mobility, and thermodynamic stability) has been performed for this missense variant. However, the output from this modeling did not meet the statistical confidence thresholds required to predict the impact of this variant on IFIH1 protein function. In summary, the available evidence is currently insufficient to determine the role of this variant in disease. Therefore, it has been classified as a Variant of Uncertain Significance.

NM_022168.4(IFIH1):c.1964A>T (p.Asp655Val)

Gene: IFIH1 (interferon induced with helicase C domain 1; minus strand). Cytogenetic location: 2q24.2.
Variant type: single nucleotide variant.
Coding change: c.1964A>T on transcript NM_022168.4 (MANE Select); coding-DNA position 1964, A replaced by T.
Protein change: p.Asp655Val; replaces aspartic acid 655 with valine.
Molecular consequence: missense variant.
Genome position (GRCh38, 1-based): chr2:162,277,495, T>A on the plus strand (A>T on the coding strand, the complement: IFIH1 is on the minus strand). VCF-style: chr2-162277495-T-A. GRCh37 (hg19) VCF-style: chr2-163134005-T-A.
Other names: short protein forms D655V.
Identifiers: ClinVar variation 4789313 (VCV004789313.1).
Genomic context (GRCh38, chr2:162,277,495, plus strand): 5'-AATCTATCTGTTTCATCCAGTTTCAAAGGTTTCTTTAAATCATCCTCATCTTCATCACCA[T>A]CACAATACTCATCATCACCACCCTCATCACTATCATCTTCTATGACTGCAAACTTCTTAT-3'
Protein context (NP_071451.2, residues 645-665): SDEGGDDEYC[Asp655Val]GDEDEDDLKK